The following is an entry in ClinVar:

ClinVar aggregate classification (germline): Uncertain significance (1 of 4 stars; one submission).

Submission:

GeneDx
Classification: Uncertain significance. Last evaluated: 2024-10-28. Review status: criteria provided, single submitter. Criteria: GeneDx Variant Classification Process June 2021. Collection method: clinical testing. Allele origin: germline. Affected: yes.
Comment: Not observed at significant frequency in large population cohorts (gnomAD); In silico analysis supports that this missense variant has a deleterious effect on protein structure/function; Has not been previously published as pathogenic or benign to our knowledge

NM_000435.3(NOTCH3):c.1145G>A (p.Gly382Asp)

Gene: NOTCH3 (notch receptor 3; minus strand). Cytogenetic location: 19p13.12.
Variant type: single nucleotide variant.
Coding change: c.1145G>A on transcript NM_000435.3 (MANE Select); coding-DNA position 1145, G replaced by A.
Protein change: p.Gly382Asp; replaces glycine 382 with aspartic acid.
Molecular consequence: missense variant.
Genome position (GRCh38, 1-based): chr19:15,189,320, C>T on the plus strand (G>A on the coding strand, the complement: NOTCH3 is on the minus strand). VCF-style: chr19-15189320-C-T. GRCh37 (hg19) VCF-style: chr19-15300131-C-T.
Other names: short protein forms G382D.
Identifiers: ClinVar variation 3893618 (VCV003893618.1).
Genomic context (GRCh38, chr19:15,189,320, plus strand): 5'-GAGCTCCCCTCACCGATAGAGCACTCGTCCACATCCTGGTCACATGCCCCACCCGTGAAG[C>T]CGGGAGGACAGGTGCAAATGGCCCGGCCGTTCACCGGATTTGTGTCACAGATAGCATCCT-3'
Protein context (NP_000426.2, residues 372-392): NGRAICTCPP[Gly382Asp]FTGGACDQDV